The following is an entry in ClinVar:

ClinVar aggregate classification (germline): Uncertain significance (1 of 4 stars; one submission).

Submission:

Labcorp Genetics (formerly Invitae), Labcorp
Classification: Uncertain significance. Last evaluated: 2022-07-27. Review status: criteria provided, single submitter. Criteria: Invitae Variant Classification Sherloc (09022015). Collection method: clinical testing. Allele origin: germline.
Comment: This variant has not been reported in the literature in individuals affected with FAT2-related conditions. This variant is present in population databases (no rsID available, gnomAD 0.8%). This sequence change replaces alanine, which is neutral and non-polar, with lysine, which is basic and polar, at codon 1632 of the FAT2 protein (p.Ala1632Lys). In summary, the available evidence is currently insufficient to determine the role of this variant in disease. Therefore, it has been classified as a Variant of Uncertain Significance. Algorithms developed to predict the effect of missense changes on protein structure and function are either unavailable or do not agree on the potential impact of this missense change (SIFT: "Not Available"; PolyPhen-2: "Probably Damaging"; Align-GVGD: "Not Available").

NM_001447.3(FAT2):c.4894_4895delinsAA (p.Ala1632Lys)

Genes: SLC36A1 (solute carrier family 36 member 1; plus strand), FAT2 (FAT atypical cadherin 2; minus strand). Cytogenetic location: 5q33.1.
Variant type: Indel.
Coding change: c.4894_4895delinsAA on transcript NM_001447.3 (MANE Select); coding-DNA positions 4894 to 4895, GC replaced by AA.
Protein change: p.Ala1632Lys; replaces alanine 1632 with lysine.
Molecular consequence: missense variant.
Genome position (GRCh38, 1-based): chr5:151,546,232-151,546,233, GC replaced by TT on the plus strand (GC replaced by AA on the coding strand, the reverse complement: FAT2 is on the minus strand). VCF-style: chr5-151546232-GC-TT. GRCh37 (hg19) VCF-style: chr5-150925793-GC-TT.
Other names: short protein forms A1632K.
Identifiers: ClinVar variation 2177962 (VCV002177962.2), dbSNP rs2479865157, ClinGen allele CA2580073912.